The following is an entry in ClinVar:

ClinVar aggregate classification (germline): Likely benign. Review status: criteria provided, multiple submitters, no conflicts (2 of 4 stars). 3 submissions from 3 submitters: Likely benign (3). Last evaluated 2025-12-13.

Conditions:
Cornelia de Lange syndrome 1 (CDLS1). Also called: NIPBL-Related Cornelia de Lange Syndrome; TYPUS DEGENERATIVUS AMSTELODAMENSIS; Brachmann de Lange syndrome. Identifiers: Orphanet 199, MedGen C4551851, MONDO:0007387, OMIM 122470.

Allele frequency attached by ClinVar (database versions not stated): ExAC 0.00006; ESP Exome Variant Server 0.00023; gnomAD 0.00004 and 0.00005; TOPMed 0.00004; gnomAD exomes 0.00005.
gnomAD v4.1: 63 of 1,613,610 alleles (0.0039%); highest among the groups gnomAD compares: Middle Eastern, 0.033%; no homozygotes.

Submissions (3):

Labcorp Genetics (formerly Invitae), Labcorp
Classification: Likely benign for Cornelia de Lange syndrome 1. Last evaluated: 2025-12-13. Review status: criteria provided, single submitter. Criteria: Invitae Variant Classification Sherloc (09022015). Collection method: clinical testing. Allele origin: germline.

CeGaT Center for Human Genetics Tuebingen
Classification: Likely benign. Last evaluated: 2023-01-01. Review status: criteria provided, single submitter. Criteria: CeGaT Center For Human Genetics Tuebingen Variant Classification Criteria Version 2. Collection method: clinical testing. Allele origin: germline. Affected: yes. Observed: 1 variant allele.
Comment: NIPBL: BP4, BP7

GeneDx
Classification: Likely benign. Last evaluated: 2020-11-12. Review status: criteria provided, single submitter. Criteria: GeneDx Variant Classification Process June 2021. Collection method: clinical testing. Allele origin: germline. Affected: yes.

NM_133433.4(NIPBL):c.5472G>A (p.Ser1824=)

Gene: NIPBL (NIPBL cohesin loading factor; plus strand). Cytogenetic location: 5p13.2.
Variant type: single nucleotide variant.
Coding change: c.5472G>A on transcript NM_133433.4 (MANE Select); coding-DNA position 5472, G replaced by A.
Protein change: p.Ser1824=; no amino-acid change (serine 1824 retained).
Molecular consequence: synonymous variant.
Genome position (GRCh38, 1-based): chr5:37,022,288, G>A. VCF-style: chr5-37022288-G-A. GRCh37 (hg19) VCF-style: chr5-37022390-G-A.
Other names: c.5472G>A, p.Ser1824= (NM_015384.5).
Identifiers: ClinVar variation 386742 (VCV000386742.33), dbSNP rs369177620, ClinGen allele CA3236788.